The following is an entry in ClinVar:

NM_001453.3(FOXC1):c.1117del (p.Ser373fs)

Gene: FOXC1 (forkhead box C1; plus strand). Cytogenetic location: 6p25.3.
Variant type: Deletion.
Coding change: c.1117del on transcript NM_001453.3 (MANE Select); coding-DNA position 1117, one base deleted (A; older notation c.1117delA).
Protein change: p.Ser373fs; shifts the reading frame from serine 373.
Molecular consequence: frameshift variant.
Genome position (GRCh38, 1-based): chr6:1,611,562, A deleted. VCF-style (leftmost placement, unchanged base first): chr6-1611561-CA-C. GRCh37 (hg19) VCF-style: chr6-1611796-CA-C.
Other names: short protein forms S373fs.
Identifiers: ClinVar variation 4293225 (VCV004293225.1).

ClinVar aggregate classification (germline): Likely pathogenic (1 of 4 stars; one submission).

Conditions:
Axenfeld-Rieger syndrome type 3 (RIEG3). Also called: AXENFELD-RIEGER ANOMALY WITH CARDIAC DEFECTS AND/OR SENSORINEURAL HEARING LOSS. Identifiers: Orphanet 782, MedGen C2678503, MONDO:0011233, OMIM 602482.

Submission:

3billion
Classification: Likely pathogenic for Axenfeld-Rieger syndrome type 3. Last evaluated: 2024-12-09. Review status: criteria provided, single submitter. Criteria: ACMG Guidelines, 2015. Collection method: clinical testing. Allele origin: germline. Affected: yes.
Comment: The variant is not observed in the gnomAD v4.1.0 dataset. Predicted Consequence/Location: Frameshift: predicted to result in a loss or disruption of normal protein function through protein truncation. The predicted truncated protein may be shortened by more than 10%. Therefore, this variant is classified as Likely pathogenic according to the recommendation of ACMG/AMP guideline.